The following is an entry in ClinVar:

NM_000391.4(TPP1):c.1376A>C (p.Tyr459Ser)

Gene: TPP1 (tripeptidyl peptidase 1; minus strand). Cytogenetic location: 11p15.4.
Variant type: single nucleotide variant.
Coding change: c.1376A>C on transcript NM_000391.4 (MANE Select); coding-DNA position 1376, A replaced by C.
Protein change: p.Tyr459Ser; replaces tyrosine 459 with serine.
Molecular consequence: missense variant.
Genome position (GRCh38, 1-based): chr11:6,615,220, T>G on the plus strand (A>C on the coding strand, the complement: TPP1 is on the minus strand). VCF-style: chr11-6615220-T-G. GRCh37 (hg19) VCF-style: chr11-6636451-T-G.
Other names: short protein forms Y459S.
Identifiers: ClinVar variation 218336 (VCV000218336.3), dbSNP rs864309505, ClinGen allele CA277862.

ClinVar aggregate classification (germline): Likely pathogenic. Review status: criteria provided, single submitter (1 of 4 stars). 2 submissions from 2 submitters: Likely pathogenic (1). 1 of the submissions does not count toward it.

Conditions:
Neuronal ceroid lipofuscinosis 2. Also called: JANSKY-BIELSCHOWSKY DISEASE NEURONAL CEROID LIPOFUSCINOSIS, LATE INFANTILE; TPP1-Related Neuronal Ceroid-Lipofuscinosis. Identifiers: Orphanet 168491, Orphanet 228349, Orphanet 79264, MedGen C1876161, MONDO:0008769, OMIM 204500.

Submissions (2):

Neuberg Centre For Genomic Medicine, NCGM
Classification: Likely pathogenic for Neuronal ceroid lipofuscinosis 2. Review status: criteria provided, single submitter. Criteria: ACMG Guidelines, 2015. Collection method: clinical testing. Allele origin: germline. Inheritance: Autosomal recessive inheritance. Affected: yes.
Comment: The missense variant c.1376A>C (p.Tyr459Ser) in TPP1 gene has been previously reported in patients with Neuronal Ceroid Lipofuscinosis type-2 (NCL2) disease (Sheth et al. 2018). The p.Tyr459Ser variant is novel (not in any individuals) in gnomAD Exomes and 1000 Genomes. This variant has been reported to the ClinVar database as Likely Pathogenic. The amino acid Tyr at position 459 is changed to a Ser changing protein sequence and it might alter its composition and physico-chemical properties. The variant is predicted to be damaging by both SIFT and PolyPhen2. The residue is conserved across species. The amino acid change p.Tyr459Ser in TPP1 is predicted as conserved by GERP++ and PhyloP across 100 vertebrates. For these reasons, this variant has been classified as Likely Pathogenic

Foundation for Research in Genetics and Endocrinology, FRIGE's Institute of Human Genetics
Classification: Likely pathogenic for Neuronal ceroid lipofuscinosis 2. Last evaluated: 2015-08-07. Review status: no assertion criteria provided. Collection method: clinical testing. Allele origin: unknown. Inheritance: Autosomal recessive inheritance. Affected: yes. Observed: 2 homozygotes. Clinical features observed: Generalized tonic-clonic seizures (HP:0002069), Developmental regression (HP:0002376), Global brain atrophy (HP:0002283), Cerebellar cortical atrophy (HP:0008278), Seizures (HP:0001250), Generalized hypotonia (HP:0001290), Progressive visual loss (HP:0000529), Cerebral atrophy (HP:0002059), Cerebellar atrophy (HP:0001272). Not counted in ClinVar's aggregate classification.
Comment: Variant c.1376A>C(p.Y459S) was found to be pathogenic by online software, including MutationTaster, SIFT and Polyphen.